The following is an entry in ClinVar:

ClinVar aggregate classification (germline): Uncertain significance. Review status: criteria provided, multiple submitters, no conflicts (2 of 4 stars). 2 submissions from 2 submitters: Uncertain significance (2). Last evaluated 2025-01-10.

Conditions:
Cardiovascular phenotype. Identifiers: MedGen CN230736.
Familial hypercholesterolemia. Also called: Familial hypercholesterolaemia. Identifiers: MedGen C0020445, MONDO:0005439.

Allele frequency attached by ClinVar (database versions not stated): ExAC 0.00001; gnomAD exomes 0.00001; TOPMed 0.00001; gnomAD 0.00004 and 0.00005.
gnomAD v4.1: 11 of 1,613,634 alleles (0.00068%); highest among the groups gnomAD compares: African/African-American, 0.015%; no homozygotes.

Submissions (2):

Ambry Genetics
Classification: Uncertain significance for Cardiovascular phenotype. Last evaluated: 2025-01-10. Review status: criteria provided, single submitter. Criteria: Ambry Variant Classification Scheme 2023. Collection method: clinical testing. Allele origin: germline.
Comment: The p.F429L variant (also known as c.1287C>A), located in coding exon 8 of the PCSK9 gene, results from a C to A substitution at nucleotide position 1287. The phenylalanine at codon 429 is replaced by leucine, an amino acid with highly similar properties. This amino acid position is conserved. In addition, this alteration is predicted to be tolerated by in silico analysis. Since supporting evidence is limited at this time, the clinical significance of this alteration remains unclear.

Color Diagnostics, LLC DBA Color Health
Classification: Uncertain significance for Familial hypercholesterolemia. Last evaluated: 2023-12-05. Review status: criteria provided, single submitter. Criteria: ACMG Guidelines, 2015. Collection method: clinical testing. Allele origin: germline.
Comment: This missense variant replaces phenylalanine with leucine at codon 429 of the PCSK9 protein. Computational prediction tools and conservation analyses suggest that this variant may not impact the protein function. Computational splicing tools suggest that this variant may not impact RNA splicing. To our knowledge, functional assays have not been performed for this variant nor has this variant been reported in individuals affected with familial hypercholesterolemia in the literature. This variant has been identified in 2/251064 chromosomes in the general population by the Genome Aggregation Database (gnomAD). Available evidence is insufficient to determine the role of this variant in disease conclusively. Therefore, this variant is classified as a Variant of Uncertain Significance.

NM_174936.4(PCSK9):c.1287C>A (p.Phe429Leu)

Gene: PCSK9 (proprotein convertase subtilisin/kexin type 9; plus strand). Cytogenetic location: 1p32.3.
Variant type: single nucleotide variant.
Coding change: c.1287C>A on transcript NM_174936.4 (MANE Select); coding-DNA position 1287, C replaced by A.
Protein change: p.Phe429Leu; replaces phenylalanine 429 with leucine.
Molecular consequence: missense variant.
Genome position (GRCh38, 1-based): chr1:55,058,142, C>A. VCF-style: chr1-55058142-C-A. GRCh37 (hg19) VCF-style: chr1-55523815-C-A.
Other names: c.1410C>A, p.Phe470Leu (NM_001407240.1); c.1287C>A, p.Phe429Leu (NM_001407241.1); c.1290C>A, p.Phe430Leu (NM_001407242.1); c.1230C>A, p.Phe410Leu (NM_001407243.1); c.1095C>A, p.Phe365Leu (NM_001407245.1); c.912C>A, p.Phe304Leu (NM_001407246.1); short protein forms F429L, F304L, F365L, F410L, F430L, F470L.
Identifiers: ClinVar variation 630159 (VCV000630159.10), dbSNP rs111427099, ClinGen allele CA036226.
Genomic context (GRCh38, chr1:55,058,142, plus strand): 5'-CGAGTTGAGGCAGAGACTGATCCACTTCTCTGCCAAAGATGTCATCAATGAGGCCTGGTT[C>A]CCTGAGGACCAGCGGGTACTGACCCCCAACCTGGTGGCCGCCCTGCCCCCCAGCACCCAT-3'
Protein context (NP_777596.2, residues 419-439): SAKDVINEAW[Phe429Leu]PEDQRVLTPN